The following is an entry in ClinVar:

NM_152383.5(DIS3L2):c.2063A>G (p.His688Arg)

Gene: DIS3L2 (DIS3 like 3'-5' exoribonuclease 2; plus strand). Cytogenetic location: 2q37.1.
Variant type: single nucleotide variant.
Coding change: c.2063A>G on transcript NM_152383.5 (MANE Select); coding-DNA position 2063, A replaced by G.
Protein change: p.His688Arg; replaces histidine 688 with arginine.
Molecular consequence: missense variant. On other transcripts: non-coding transcript variant (2), intron variant (1).
Genome position (GRCh38, 1-based): chr2:232,333,892, A>G. VCF-style: chr2-232333892-A-G. GRCh37 (hg19) VCF-style: chr2-233198602-A-G.
Other names: c.1582-9453A>G (NM_001257281.2); short protein forms H688R.
Identifiers: ClinVar variation 3638927 (VCV003638927.2).

ClinVar aggregate classification (germline): Uncertain significance (1 of 4 stars; one submission).

Conditions:
Perlman syndrome (PRLMNS). Identifiers: Orphanet 2849, MedGen C0796113, MONDO:0009965, OMIM 267000.

Submission:

Labcorp Genetics (formerly Invitae), Labcorp
Classification: Uncertain significance for Perlman syndrome. Last evaluated: 2024-02-05. Review status: criteria provided, single submitter. Criteria: Invitae Variant Classification Sherloc (09022015). Collection method: clinical testing. Allele origin: germline.
Comment: This sequence change replaces histidine, which is basic and polar, with arginine, which is basic and polar, at codon 688 of the DIS3L2 protein (p.His688Arg). This variant is not present in population databases (gnomAD no frequency). This variant has not been reported in the literature in individuals affected with DIS3L2-related conditions. Advanced modeling of protein sequence and biophysical properties (such as structural, functional, and spatial information, amino acid conservation, physicochemical variation, residue mobility, and thermodynamic stability) performed at Invitae indicates that this missense variant is expected to disrupt DIS3L2 protein function with a positive predictive value of 80%. In summary, the available evidence is currently insufficient to determine the role of this variant in disease. Therefore, it has been classified as a Variant of Uncertain Significance.